The following continues an entry in ClinVar:

NM_000543.5(SMPD1):c.1550A>T (p.Glu517Val)

Gene: SMPD1. ClinVar aggregate classification (germline): Conflicting classifications of pathogenicity. Likely pathogenic (1); Uncertain significance (7); Likely benign (5).

Submissions 15 to 18 of 18:

Natera, Inc.
Classification: Uncertain significance for Acid sphingomyelinase deficiency. Last evaluated: 2017-05-04. Review status: no assertion criteria provided. Collection method: clinical testing. Allele origin: germline. Not counted in ClinVar's aggregate classification.

Clinical Genetics DNA and cytogenetics Diagnostics Lab, Erasmus MC, Erasmus Medical Center
Classification: Uncertain significance. Review status: no assertion criteria provided. Collection method: clinical testing. Allele origin: germline. Affected: yes. Study: VKGL Data-share Consensus. Not counted in ClinVar's aggregate classification.

Genome Diagnostics Laboratory, Amsterdam University Medical Center
Classification: Uncertain significance. Review status: no assertion criteria provided. Collection method: clinical testing. Allele origin: germline. Affected: yes. Study: VKGL Data-share Consensus. Not counted in ClinVar's aggregate classification.

Genome Diagnostics Laboratory, University Medical Center Utrecht
Classification: Uncertain significance. Review status: no assertion criteria provided. Collection method: clinical testing. Allele origin: germline. Affected: yes. Study: VKGL Data-share Consensus. Not counted in ClinVar's aggregate classification.

Literature cited by the submitters: PubMed 12369017 (cited by Women's Health and Genetics/Laboratory Corporation of America, LabCorp and Mayo Clinic Laboratories, Mayo Clinic); PubMed 24448499 (cited by Women's Health and Genetics/Laboratory Corporation of America, LabCorp); PubMed 24767253 (cited by Women's Health and Genetics/Laboratory Corporation of America, LabCorp and Mayo Clinic Laboratories, Mayo Clinic); PubMed 23430949 (cited by 3 submitters); PubMed 26499107 (cited by Women's Health and Genetics/Laboratory Corporation of America, LabCorp and Mayo Clinic Laboratories, Mayo Clinic); PubMed 26049896 (cited by 3 submitters); PubMed 27725636 (cited by Women's Health and Genetics/Laboratory Corporation of America, LabCorp); PubMed 30788890 (cited by Women's Health and Genetics/Laboratory Corporation of America, LabCorp and Mayo Clinic Laboratories, Mayo Clinic); PubMed 29140481 (cited by Women's Health and Genetics/Laboratory Corporation of America, LabCorp and Mayo Clinic Laboratories, Mayo Clinic); PubMed 27435900 (cited by Women's Health and Genetics/Laboratory Corporation of America, LabCorp); PubMed 34426522 (cited by Women's Health and Genetics/Laboratory Corporation of America, LabCorp); PubMed 35747619 (cited by Women's Health and Genetics/Laboratory Corporation of America, LabCorp and Mayo Clinic Laboratories, Mayo Clinic); PubMed 25933391 (cited by Women's Health and Genetics/Laboratory Corporation of America, LabCorp and Mayo Clinic Laboratories, Mayo Clinic); PubMed 33340101 (cited by Women's Health and Genetics/Laboratory Corporation of America, LabCorp); PubMed 35262230 (cited by Women's Health and Genetics/Laboratory Corporation of America, LabCorp); PubMed 38137339 (cited by Women's Health and Genetics/Laboratory Corporation of America, LabCorp); PubMed 38866761 (cited by Women's Health and Genetics/Laboratory Corporation of America, LabCorp); PubMed 38933898 (cited by Women's Health and Genetics/Laboratory Corporation of America, LabCorp); PubMed 31122880 (cited by Women's Health and Genetics/Laboratory Corporation of America, LabCorp and Mayo Clinic Laboratories, Mayo Clinic); PubMed 38782304 (cited by Women's Health and Genetics/Laboratory Corporation of America, LabCorp); PubMed 35330074 (cited by Women's Health and Genetics/Laboratory Corporation of America, LabCorp); PubMed 33925997 (cited by Women's Health and Genetics/Laboratory Corporation of America, LabCorp).